The following is an entry in ClinVar:

NM_002227.4(JAK1):c.845G>C (p.Gly282Ala)

Gene: JAK1 (Janus kinase 1; minus strand). Cytogenetic location: 1p31.3.
Variant type: single nucleotide variant.
Coding change: c.845G>C on transcript NM_002227.4 (MANE Select); coding-DNA position 845, G replaced by C.
Protein change: p.Gly282Ala; replaces glycine 282 with alanine.
Molecular consequence: missense variant.
Genome position (GRCh38, 1-based): chr1:64,867,011, C>G on the plus strand (G>C on the coding strand, the complement: JAK1 is on the minus strand). VCF-style: chr1-64867011-C-G. GRCh37 (hg19) VCF-style: chr1-65332694-C-G.
Other names: c.845G>C, p.Gly282Ala (NM_001320923.2, NM_001321852.2, NM_001321853.2 and 4 more transcripts); short protein forms G282A.
Identifiers: ClinVar variation 2967924 (VCV002967924.3), dbSNP rs1306770096, ClinGen allele CA340675254.

ClinVar aggregate classification (germline): Uncertain significance (1 of 4 stars; one submission).

Allele frequency attached by ClinVar (database versions not stated): TOPMed 0.00002.

Submission:

Labcorp Genetics (formerly Invitae), Labcorp
Classification: Uncertain significance. Last evaluated: 2022-12-15. Review status: criteria provided, single submitter. Criteria: Invitae Variant Classification Sherloc (09022015). Collection method: clinical testing. Allele origin: germline.
Comment: This sequence change replaces glycine, which is neutral and non-polar, with alanine, which is neutral and non-polar, at codon 282 of the JAK1 protein (p.Gly282Ala). This variant is not present in population databases (gnomAD no frequency). This variant has not been reported in the literature in individuals affected with JAK1-related conditions. Algorithms developed to predict the effect of missense changes on protein structure and function are either unavailable or do not agree on the potential impact of this missense change (SIFT: "Not Available"; PolyPhen-2: "Probably Damaging"; Align-GVGD: "Not Available"). In summary, the available evidence is currently insufficient to determine the role of this variant in disease. Therefore, it has been classified as a Variant of Uncertain Significance.